The following is an entry in ClinVar:

NM_000458.4(HNF1B):c.1586del (p.Pro529fs)

Gene: HNF1B (HNF1 homeobox B; minus strand). Cytogenetic location: 17q12.
Variant type: Deletion.
Coding change: c.1586del on transcript NM_000458.4 (MANE Select); coding-DNA position 1586, one base deleted (C; older notation c.1586delC).
Protein change: p.Pro529fs; shifts the reading frame from proline 529.
Molecular consequence: frameshift variant. On other transcripts: intron variant (2).
Genome position (GRCh38, 1-based): chr17:37,699,143, G deleted on the plus strand (C on the coding strand, the reverse complement: HNF1B is on the minus strand); the first of 2 consecutive G bases (chr17:37,699,143-37,699,144); deleting either gives the same sequence. VCF-style (leftmost placement, unchanged base first): chr17-37699142-TG-T. GRCh37 (hg19) VCF-style: chr17-36059148-TG-T.
Other names: c.1508del, p.Pro503fs (NM_001165923.4); c.1261+5774del (NM_001304286.2); c.1534+1840del (NM_001411100.1); short protein forms P503fs, P529fs.
Identifiers: ClinVar variation 5038124 (VCV005038124.1).
Genomic context (GRCh38, chr17:37,699,142, plus strand): 5'-ACTTGAAGACATGTTGGTGAGTGTACTGATGCTGCTGGTATCTGTGACCACCATTGCAGA[TG>T]GAAACCGGGAGGTGTGGGAATACTGGGGGGGTTCCTGCTTGTGTGCGTACACTGGAGAGA-3'

ClinVar aggregate classification (germline): Uncertain significance (1 of 4 stars; one submission).

Conditions:
Renal cysts and diabetes syndrome (RCAD). Also called: MATURITY-ONSET DIABETES OF THE YOUNG, TYPE 5; Familial hypoplastic, glomerulocystic kidney. Identifiers: Orphanet 93111, MedGen C0431693, MONDO:0007669, OMIM 137920.

Submission:

MVZ Medizinische Genetik Mainz
Classification: Uncertain significance for Renal cysts and diabetes syndrome. Last evaluated: 2025-10-13. Review status: criteria provided, single submitter. Criteria: UK Practice Guidelines For Variant Classification V4 01 2020. Collection method: clinical testing. Allele origin: germline. Inheritance: Autosomal dominant inheritance. Affected: yes. Observed: 1 variant allele.
Comment: ACMG Criteria: PVS1_MOD,PM2_SUP